The following is an entry in ClinVar:

ClinVar aggregate classification (germline): Uncertain significance (1 of 4 stars; one submission).

gnomAD v4.1: 1 of 1,611,754 alleles (0.000062%); highest among the groups gnomAD compares: Non-Finnish European, 0.000085%; no homozygotes.

Submission:

GeneDx
Classification: Uncertain significance. Last evaluated: 2023-07-07. Review status: criteria provided, single submitter. Criteria: GeneDx Variant Classification Process June 2021. Collection method: clinical testing. Allele origin: germline. Affected: yes.
Comment: Not observed at significant frequency in large population cohorts (gnomAD); In silico analysis supports that this missense variant does not alter protein structure/function; Has not been previously published as pathogenic or benign to our knowledge

NM_001367561.1(DOCK7):c.2755A>G (p.Ile919Val)

Gene: DOCK7 (dedicator of cytokinesis 7; minus strand). Cytogenetic location: 1p31.3.
Variant type: single nucleotide variant.
Coding change: c.2755A>G on transcript NM_001367561.1 (MANE Select); coding-DNA position 2755, A replaced by G.
Protein change: p.Ile919Val; replaces isoleucine 919 with valine.
Molecular consequence: missense variant.
Genome position (GRCh38, 1-based): chr1:62,552,743, T>C on the plus strand (A>G on the coding strand, the complement: DOCK7 is on the minus strand). VCF-style: chr1-62552743-T-C. GRCh37 (hg19) VCF-style: chr1-63018414-T-C.
Other names: c.2755A>G, p.Ile919Val (NM_001271999.2, NM_001272000.2, NM_001272001.2 and 2 more transcripts); short protein forms I919V.
Identifiers: ClinVar variation 3360875 (VCV003360875.1).
Genomic context (GRCh38, chr1:62,552,743, plus strand): 5'-TTGTTCACAAAACAAAAACCAAATTTACAGATGCATGTCTTCAGTTTACCTTACTCCCGA[T>C]GATTGATCGAACTTCATCATCTGGTGACGTGGGAGTCCCAGATATATCTGGATTGCTATT-3'
Protein context (NP_001354490.1, residues 909-929): TSPDDEVRSI[Ile919Val]GSKGLDRSNS